The following is an entry in ClinVar:

NM_015631.6(TCTN3):c.979G>A (p.Glu327Lys)

Gene: TCTN3 (tectonic family member 3; minus strand). Cytogenetic location: 10q24.1.
Variant type: single nucleotide variant.
Coding change: c.979G>A on transcript NM_015631.6 (MANE Select); coding-DNA position 979, G replaced by A.
Protein change: p.Glu327Lys; replaces glutamic acid 327 with lysine.
Molecular consequence: missense variant. On other transcripts: intron variant (1).
Genome position (GRCh38, 1-based): chr10:95,684,615, C>T on the plus strand (G>A on the coding strand, the complement: TCTN3 is on the minus strand). VCF-style: chr10-95684615-C-T. GRCh37 (hg19) VCF-style: chr10-97444372-C-T.
Other names: c.652-986G>A (NM_001143973.2); short protein forms E327K.
Identifiers: ClinVar variation 1406465 (VCV001406465.8), dbSNP rs745387147, ClinGen allele CA5620987.

ClinVar aggregate classification (germline): Uncertain significance (1 of 4 stars; one submission).

Conditions:
Joubert syndrome 18 (JBTS18). Identifiers: Orphanet 2754, MedGen C3553758, MONDO:0013896, OMIM 614815.
Orofacial-digital syndrome IV (OFD4). Also called: BARAITSER-BURN SYNDROME; MOHR-MAJEWSKI SYNDROME; OFD SYNDROME WITH TIBIAL DEFECTS; OFD SYNDROME, BARAITSER-BURN TYPE; OFDS IV; ORAL-FACIAL-DIGITAL SYNDROME, TYPE IV. Identifiers: Orphanet 2753, MedGen C0406727, MONDO:0009794, OMIM 258860.

Allele frequency attached by ClinVar (database versions not stated): gnomAD exomes below 0.00001; ExAC 0.00001.

Submission:

Labcorp Genetics (formerly Invitae), Labcorp
Classification: Uncertain significance for Joubert syndrome 18; Orofacial-digital syndrome IV. Last evaluated: 2022-02-02. Review status: criteria provided, single submitter. Criteria: Invitae Variant Classification Sherloc (09022015). Collection method: clinical testing. Allele origin: germline.
Comment: This variant is present in population databases (rs745387147, gnomAD 0.003%). This variant has not been reported in the literature in individuals affected with TCTN3-related conditions. Algorithms developed to predict the effect of missense changes on protein structure and function are either unavailable or do not agree on the potential impact of this missense change (SIFT: "Tolerated"; PolyPhen-2: "Possibly Damaging"; Align-GVGD: "Class C0"). In summary, the available evidence is currently insufficient to determine the role of this variant in disease. Therefore, it has been classified as a Variant of Uncertain Significance. This sequence change replaces glutamic acid, which is acidic and polar, with lysine, which is basic and polar, at codon 327 of the TCTN3 protein (p.Glu327Lys).